The following is an entry in ClinVar:

ClinVar aggregate classification (germline): Uncertain significance (1 of 4 stars; one submission).

Conditions:
Joubert syndrome 23 (JBTS23). Identifiers: Orphanet 475, MedGen C4084822, MONDO:0014664, OMIM 616490.
Short-rib thoracic dysplasia 14 with polydactyly (SRTD14). Identifiers: Orphanet 397715, MedGen C4225286, MONDO:0014688, OMIM 616546.

Allele frequency attached by ClinVar (database versions not stated): gnomAD exomes below 0.00001.
gnomAD v4.1: 3 of 1,587,128 alleles (0.00019%); highest among the groups gnomAD compares: Non-Finnish European, 0.00026%; no homozygotes.

Submission:

Labcorp Genetics (formerly Invitae), Labcorp
Classification: Uncertain significance for Joubert syndrome 23; Short-rib thoracic dysplasia 14 with polydactyly. Last evaluated: 2024-11-11. Review status: criteria provided, single submitter. Criteria: Invitae Variant Classification Sherloc (09022015). Collection method: clinical testing. Allele origin: germline.
Comment: This sequence change replaces serine, which is neutral and polar, with tyrosine, which is neutral and polar, at codon 511 of the KIAA0586 protein (p.Ser511Tyr). This variant is not present in population databases (gnomAD no frequency). This variant has not been reported in the literature in individuals affected with KIAA0586-related conditions. ClinVar contains an entry for this variant (Variation ID: 2116999). Invitae Evidence Modeling of protein sequence and biophysical properties (such as structural, functional, and spatial information, amino acid conservation, physicochemical variation, residue mobility, and thermodynamic stability) has been performed for this missense variant. However, the output from this modeling did not meet the statistical confidence thresholds required to predict the impact of this variant on KIAA0586 protein function. In summary, the available evidence is currently insufficient to determine the role of this variant in disease. Therefore, it has been classified as a Variant of Uncertain Significance.

NM_001329943.3(KIAA0586):c.1373C>A (p.Ser458Tyr)

Gene: KIAA0586 (KIAA0586; plus strand). Cytogenetic location: 14q23.1.
Variant type: single nucleotide variant.
Coding change: c.1373C>A on transcript NM_001329943.3 (MANE Select); coding-DNA position 1373, C replaced by A.
Protein change: p.Ser458Tyr; replaces serine 458 with tyrosine.
Molecular consequence: missense variant.
Genome position (GRCh38, 1-based): chr14:58,457,769, C>A. VCF-style: chr14-58457769-C-A. GRCh37 (hg19) VCF-style: chr14-58924487-C-A.
Other names: c.1532C>A, p.Ser511Tyr (NM_001244189.2); c.1328C>A, p.Ser443Tyr (NM_001244190.2); c.1118C>A, p.Ser373Tyr (NM_001244191.2, NM_001329945.2, NM_001364700.1 and 1 more transcripts); c.1241C>A, p.Ser414Tyr (NM_001244192.2); c.953C>A, p.Ser318Tyr (NM_001244193.2); c.1373C>A, p.Ser458Tyr (NM_001329944.2, NM_001329946.2, NM_001329947.2 and 1 more transcripts); short protein forms S373Y, S414Y, S511Y, S318Y, S443Y, S458Y.
Identifiers: ClinVar variation 2116999 (VCV002116999.3), dbSNP rs2543093037, ClinGen allele CA389868169.
Genomic context (GRCh38, chr14:58,457,769, plus strand): 5'-AAAGGAATCGTTGTGAGTTTAGTAACTTTCTGGTCTTTTTTTCTTTTAAGCCAAAAGAAT[C>A]TCTGAGTATGTTGAAGCTTCCAGATCTTCCACAGAATTCTGTTAAGCTTCAAACAACCAA-3'
Protein context (NP_001316872.1, residues 448-468): ETNSMVQPKE[Ser458Tyr]LSMLKLPDLP